The following is an entry in ClinVar:

ClinVar aggregate classification (germline): Uncertain significance. Review status: criteria provided, multiple submitters, no conflicts (2 of 4 stars). 2 submissions from 2 submitters: Uncertain significance (2). Last evaluated 2025-08-24.

Allele frequency attached by ClinVar (database versions not stated): TOPMed below 0.00001; gnomAD 0.00001; gnomAD exomes 0.00001; ExAC 0.00002.
gnomAD v4.1: 8 of 1,599,872 alleles (0.0005%); highest among the groups gnomAD compares: Admixed American, 0.0017%; no homozygotes.

Submissions (2):

Ambry Genetics
Classification: Uncertain significance. Last evaluated: 2025-08-24. Review status: criteria provided, single submitter. Criteria: Ambry Variant Classification Scheme 2023. Collection method: clinical testing. Allele origin: germline.

Labcorp Genetics (formerly Invitae), Labcorp
Classification: Uncertain significance. Last evaluated: 2022-10-05. Review status: criteria provided, single submitter. Criteria: Invitae Variant Classification Sherloc (09022015). Collection method: clinical testing. Allele origin: germline.
Comment: This sequence change replaces threonine, which is neutral and polar, with isoleucine, which is neutral and non-polar, at codon 279 of the POC5 protein (p.Thr279Ile). This variant is not present in population databases (gnomAD no frequency). This variant has not been reported in the literature in individuals affected with POC5-related conditions. Algorithms developed to predict the effect of missense changes on protein structure and function are either unavailable or do not agree on the potential impact of this missense change (SIFT: "Not Available"; PolyPhen-2: "Benign"; Align-GVGD: "Not Available"). In summary, the available evidence is currently insufficient to determine the role of this variant in disease. Therefore, it has been classified as a Variant of Uncertain Significance.

NM_001099271.2(POC5):c.836C>T (p.Thr279Ile)

Gene: POC5 (POC5 centriolar protein; minus strand). Cytogenetic location: 5q13.3.
Variant type: single nucleotide variant.
Coding change: c.836C>T on transcript NM_001099271.2 (MANE Select); coding-DNA position 836, C replaced by T.
Protein change: p.Thr279Ile; replaces threonine 279 with isoleucine.
Molecular consequence: missense variant.
Genome position (GRCh38, 1-based): chr5:75,690,522, G>A on the plus strand (C>T on the coding strand, the complement: POC5 is on the minus strand). VCF-style: chr5-75690522-G-A. GRCh37 (hg19) VCF-style: chr5-74986347-G-A.
Other names: c.761C>T, p.Thr254Ile (NM_152408.3); c.836C>T (NM_001099271.1); short protein forms T279I, T254I.
Identifiers: ClinVar variation 1934246 (VCV001934246.6), dbSNP rs754231095, ClinGen allele CA3310462.